The following is an entry in ClinVar:

NM_001077365.2(POMT1):c.1939G>A (p.Ala647Thr)

Gene: POMT1 (protein O-mannosyltransferase 1; plus strand). Cytogenetic location: 9q34.13.
Variant type: single nucleotide variant.
Coding change: c.1939G>A on transcript NM_001077365.2 (MANE Select); coding-DNA position 1939, G replaced by A.
Protein change: p.Ala647Thr; replaces alanine 647 with threonine.
Molecular consequence: missense variant. On other transcripts: non-coding transcript variant (10).
Genome position (GRCh38, 1-based): chr9:131,522,160, G>A. VCF-style: chr9-131522160-G-A. GRCh37 (hg19) VCF-style: chr9-134397547-G-A.
Other names: c.1777G>A, p.Ala593Thr (NM_001077366.2, NM_001353194.2); c.1939G>A, p.Ala647Thr (NM_001136113.2); c.1588G>A, p.Ala530Thr (NM_001136114.2, NM_001353195.2, NM_001374691.1 and 2 more transcripts); c.2005G>A, p.Ala669Thr (NM_001353193.2, NM_007171.4); c.1849G>A, p.Ala617Thr (NM_001353196.2); c.1843G>A, p.Ala615Thr (NM_001353197.2, NM_001353198.2); c.1654G>A, p.Ala552Thr (NM_001353199.2); c.1483G>A, p.Ala495Thr (NM_001353200.2); and 3 more; short protein forms A669T, A552T, A593T, A617T, A647T, A495T, A615T, A530T.
Identifiers: ClinVar variation 3250 (VCV000003250.47), dbSNP rs119462987, ClinGen allele CA116114.
Genomic context (GRCh38, chr9:131,522,160, plus strand): 5'-GTGAACTACCTCCCGTTCTTCCTGATGGAGAAGACACTCTTCCTCTACCACTACCTGCCC[G>A]CACTCACCTTCCAAATCCTTCTGCTCCCTGTGGTCCTGCAGCACATCAGCGACCACCTGT-3'
Protein context (NP_001070833.1, residues 637-657): KTLFLYHYLP[Ala647Thr]LTFQILLLPV

ClinVar aggregate classification (germline): Pathogenic/Likely pathogenic. Review status: criteria provided, multiple submitters, no conflicts (2 of 4 stars). 9 submissions from 9 submitters: Pathogenic (4); Likely pathogenic (4). 1 of the submissions does not count toward it. Last evaluated 2024-05-30.

Conditions:
Autosomal recessive limb-girdle muscular dystrophy type 2K. Also called: MUSCULAR DYSTROPHY-DYSTROGLYCANOPATHY (LIMB-GIRDLE), TYPE C, 1; MUSCULAR DYSTROPHY, LIMB-GIRDLE, TYPE 2K. Identifiers: Orphanet 86812, MedGen C1836373, MONDO:0012248, OMIM 609308.
Muscular dystrophy-dystroglycanopathy (congenital with impaired intellectual development), type B, 1. Also called: MUSCULAR DYSTROPHY, CONGENITAL, POMT1-RELATED; Muscular dystrophy-dystroglycanopathy (congenital with intellectual disability), type B1. Identifiers: MedGen C5436962, MONDO:0013159, OMIM 613155.
Walker-Warburg congenital muscular dystrophy. Also called: Muscular dystrophy-dystroglycanopathy, type A; Walker-Warburg syndrome. Identifiers: Orphanet 899, MedGen C0265221, MONDO:0000171.
Muscular dystrophy-dystroglycanopathy (congenital with brain and eye anomalies), type A1 (MDDGA1). Also called: Muscular dystrophy-dystroglycanopathy (congenital with brain and eye anomalies), type A, 1; Hydrocephalus, agyria and retinal dysplasia; Hard +/- E syndrome; Warburg syndrome; Chemke syndrome; Pagon syndrome. Identifiers: Orphanet 588, Orphanet 899, MedGen C4284790, MONDO:0009364, OMIM 236670.

Allele frequency attached by ClinVar (database versions not stated): gnomAD 0.00001; gnomAD exomes below 0.00001; TOPMed 0.00003.
gnomAD v4.1: 6 of 1,613,972 alleles (0.00037%); highest among the groups gnomAD compares: African/African-American, 0.0027%; no homozygotes.

Submissions (9):

GeneDx
Classification: Pathogenic. Last evaluated: 2024-05-30. Review status: criteria provided, single submitter. Criteria: GeneDx Variant Classification Process June 2021. Collection method: clinical testing. Allele origin: germline. Affected: yes.
Comment: Not observed at significant frequency in large population cohorts (gnomAD); In silico analysis supports that this missense variant has a deleterious effect on protein structure/function; This variant is associated with the following publications: (PMID: 18513969, 17869517, 22549409, 16717220, 24491487, 31589614, 30838351, 33963534, 19299310, 31066050, 17878207, 29419866, 34602496, 31031587, 34565739, 30454682, 35948506)

Labcorp Genetics (formerly Invitae), Labcorp
Classification: Pathogenic for Muscular dystrophy-dystroglycanopathy (congenital with impaired intellectual development), type B, 1; Walker-Warburg congenital muscular dystrophy; Autosomal recessive limb-girdle muscular dystrophy type 2K. Last evaluated: 2024-02-17. Review status: criteria provided, single submitter. Criteria: Invitae Variant Classification Sherloc (09022015). Collection method: clinical testing. Allele origin: germline.
Comment: This sequence change replaces alanine, which is neutral and non-polar, with threonine, which is neutral and polar, at codon 669 of the POMT1 protein (p.Ala669Thr). This variant is not present in population databases (gnomAD no frequency). This missense change has been observed in individual(s) with ongenital muscular dystrophy and limb girdle muscular dystrophy (PMID: 16717220, 17869517, 17878207, 20816175; Invitae). In at least one individual the data is consistent with being in trans (on the opposite chromosome) from a pathogenic variant. ClinVar contains an entry for this variant (Variation ID: 3250). Advanced modeling of protein sequence and biophysical properties (such as structural, functional, and spatial information, amino acid conservation, physicochemical variation, residue mobility, and thermodynamic stability) has been performed at Invitae for this missense variant, however the output from this modeling did not meet the statistical confidence thresholds required to predict the impact of this variant on POMT1 protein function. For these reasons, this variant has been classified as Pathogenic.

Baylor Genetics
Classification: Pathogenic for Muscular dystrophy-dystroglycanopathy (congenital with brain and eye anomalies), type A1. Last evaluated: 2024-01-23. Review status: criteria provided, single submitter. Criteria: ACMG Guidelines, 2015. Collection method: clinical testing. Allele origin: unknown.

3billion
Classification: Likely pathogenic for Muscular dystrophy-dystroglycanopathy (congenital with brain and eye anomalies), type A1. Last evaluated: 2023-10-20. Review status: criteria provided, single submitter. Criteria: ACMG Guidelines, 2015. Collection method: clinical testing. Allele origin: germline. Affected: yes.
Comment: The variant is not observed in the gnomAD v2.1.1 dataset. Predicted Consequence/Location: The majority of the known disease-causing variants of this gene are variants expected to result in premature termination of the protein. Premature termination of the protein is a common disease-causing mechanism for this gene. In silico tool predictions suggest damaging effect of the variant on gene or gene product [REVEL: 0.93 (>=0.6, sensitivity 0.68 and specificity 0.92)]. Same nucleotide change resulting in same amino acid change has been previously reported as pathogenic/likely pathogenic with strong evidence (ClinVar ID: VCV000003250 /PMID: 16717220). Therefore, this variant is classified as Likely pathogenic according to the recommendation of ACMG/AMP guideline.

CeGaT Center for Human Genetics Tuebingen
Classification: Likely pathogenic. Last evaluated: 2023-07-01. Review status: criteria provided, single submitter. Criteria: CeGaT Center For Human Genetics Tuebingen Variant Classification Criteria Version 2. Collection method: clinical testing. Allele origin: germline. Affected: yes. Observed: 2 variant alleles.
Comment: POMT1: PM3:Strong, PM2

Eurofins Ntd Llc (ga)
Classification: Pathogenic. Last evaluated: 2018-07-13. Review status: criteria provided, single submitter. Criteria: EGL ClinVar v180209 classification definitions. Collection method: clinical testing. Allele origin: germline. Observed: 3 variant alleles, 3 heterozygotes.

Athena Diagnostics
Classification: Likely pathogenic. Last evaluated: 2017-09-14. Review status: criteria provided, single submitter. Criteria: Athena Diagnostics Criteria. Collection method: clinical testing. Allele origin: germline.

Juno Genomics, Hangzhou Juno Genomics, Inc
Classification: Likely pathogenic for Muscular dystrophy-dystroglycanopathy (congenital with brain and eye anomalies), type A1; Muscular dystrophy-dystroglycanopathy (congenital with impaired intellectual development), type B, 1; Autosomal recessive limb-girdle muscular dystrophy type 2K. Review status: criteria provided, single submitter. Criteria: ACMG Guidelines, 2015. Collection method: clinical testing. Allele origin: germline.
Comment: Absent from controls (or at extremely low frequency if recessive) in Genome Aggregation Database.;Multiple lines of computational evidence support a deleterious effect on the gene or gene product.;For recessive disorders, detected in trans with a pathogenic variant.;Patient's phenotype or family history is highly specific for a disease with a single genetic etiology.

OMIM
Classification: Pathogenic for MUSCULAR DYSTROPHY-DYSTROGLYCANOPATHY (CONGENITAL WITH IMPAIRED INTELLECTUAL DEVELOPMENT), TYPE B, 1. Last evaluated: 2012-12-01. Review status: no assertion criteria provided. Collection method: literature only. Allele origin: germline. Not counted in ClinVar's aggregate classification.

Literature cited by the submitters: PubMed 16717220 (cited by 5 submitters); PubMed 17869517 (cited by 3 submitters); PubMed 17878207 (cited by 3 submitters); PubMed 20816175 (cited by Labcorp Genetics (formerly Invitae), Labcorp); PubMed 22549409 (cited by 3 submitters); PubMed 18513969 (cited by Athena Diagnostics); PubMed 24491487 (cited by Athena Diagnostics).